The following is an entry in ClinVar:

NM_001374385.1(ATP8B1):c.3016-19A>G

Genes: ATP8B1 (ATPase phospholipid transporting 8B1; minus strand), ATP8B1-AS1 (ATP8B1 antisense RNA 1; plus strand). Cytogenetic location: 18q21.31.
Variant type: single nucleotide variant.
Coding change: c.3016-19A>G on transcript NM_001374385.1 (MANE Select); 19 bases into the intron before coding-DNA position 3016, A replaced by G.
Molecular consequence: intron variant.
Genome position (GRCh38, 1-based): chr18:57,652,748, T>C on the plus strand (A>G on the coding strand, the complement: ATP8B1 is on the minus strand). VCF-style: chr18-57652748-T-C. GRCh37 (hg19) VCF-style: chr18-55319980-T-C.
Other names: c.3016-19A>G (NM_005603.6); c.2866-19A>G (NM_001374386.1).
Identifiers: ClinVar variation 383902 (VCV000383902.7), dbSNP rs139202277, ClinGen allele CA8974093.
Genomic context (GRCh38, chr18:57,652,748, plus strand): 5'-GTATAACCCAGGGAATCGGAGGCTCAGTTTGTCACTCACATCCTTAAGGAGAAAACAAAA[T>C]GATGGTATTTTATTCATCAGGTCAAAGCAGTCAGAGATATGTTATAATTAATATCTCACA-3'

ClinVar aggregate classification (germline): Benign/Likely benign. Review status: criteria provided, multiple submitters, no conflicts (2 of 4 stars). 3 submissions from 3 submitters: Benign (2); Likely benign (1). Last evaluated 2026-01-28.

Conditions:
Progressive familial intrahepatic cholestasis type 1. Also called: Severe ATP8B1 Deficiency (Progressive Familial Intrahepatic Cholestasis Type 1 [PFIC1]); BYLER DISEASE; Byler's disease. Identifiers: Orphanet 79306, MedGen C4551898, MONDO:0008892, OMIM 211600.
Benign recurrent intrahepatic cholestasis type 1. Also called: SUMMERSKILL SYNDROME; Mild-to-Moderate ATP8B1 Deficiency (Benign Recurrent Intrahepatic Cholestasis 1 [BRIC1]). Identifiers: Orphanet 65682, Orphanet 99960, MedGen C4551899, MONDO:0009469, OMIM 243300.
Cholestasis, intrahepatic, of pregnancy, 1 (ICP1). Also called: CHOLESTASIS, PREGNANCY-RELATED, 1. Identifiers: Orphanet 69665, MedGen C3549845, MONDO:0007829, OMIM 147480.

Allele frequency attached by ClinVar (database versions not stated): gnomAD exomes 0.00068; ExAC 0.00071; ESP Exome Variant Server 0.00192; gnomAD 0.00195 and 0.00210; 1000 Genomes Project 0.00200; 1000 Genomes Project 30x 0.00203; TOPMed 0.00247.
gnomAD v4.1: 627 of 1,614,076 alleles (0.039%); highest among the groups gnomAD compares: African/African-American, 0.65%; 1 homozygote.

Submissions (3):

Labcorp Genetics (formerly Invitae), Labcorp
Classification: Benign. Last evaluated: 2026-01-28. Review status: criteria provided, single submitter. Criteria: Invitae Variant Classification Sherloc (09022015). Collection method: clinical testing. Allele origin: germline.

Fulgent Genetics
Classification: Benign for Cholestasis, intrahepatic, of pregnancy, 1; Progressive familial intrahepatic cholestasis type 1; Benign recurrent intrahepatic cholestasis type 1. Last evaluated: 2021-10-18. Review status: criteria provided, single submitter. Criteria: ACMG Guidelines, 2015. Collection method: clinical testing. Allele origin: unknown.

GeneDx
Classification: Likely benign. Last evaluated: 2017-10-03. Review status: criteria provided, single submitter. Criteria: GeneDx Variant Classification (06012015). Collection method: clinical testing. Allele origin: germline. Affected: yes.
Comment: This variant is considered likely benign or benign based on one or more of the following criteria: it is a conservative change, it occurs at a poorly conserved position in the protein, it is predicted to be benign by multiple in silico algorithms, and/or has population frequency not consistent with disease.